The following is an entry in ClinVar:

ClinVar aggregate classification (germline): Uncertain significance. Review status: criteria provided, multiple submitters, no conflicts (2 of 4 stars). 2 submissions from 2 submitters: Uncertain significance (2). Last evaluated 2025-08-31.

Conditions:
Inborn genetic diseases. Identifiers: MedGen C0950123, MeSH D030342.
Dystonia 12 (DYT12). Also called: Rapid-Onset Dystonia-Parkinsonism (RDP); DYT-ATP1A3. Identifiers: Orphanet 71517, MedGen C1868681, MONDO:0007496, OMIM 128235.

Allele frequency attached by ClinVar (database versions not stated): gnomAD exomes below 0.00001; TOPMed below 0.00001; gnomAD 0.00001.

Submissions (2):

Ambry Genetics
Classification: Uncertain significance for Inborn genetic diseases. Last evaluated: 2025-08-31. Review status: criteria provided, single submitter. Criteria: Ambry Variant Classification Scheme 2023. Collection method: clinical testing. Allele origin: germline.

Labcorp Genetics (formerly Invitae), Labcorp
Classification: Uncertain significance for Dystonia 12. Last evaluated: 2023-08-23. Review status: criteria provided, single submitter. Criteria: Invitae Variant Classification Sherloc (09022015). Collection method: clinical testing. Allele origin: germline.
Comment: This sequence change replaces serine, which is neutral and polar, with alanine, which is neutral and non-polar, at codon 453 of the ATP1A3 protein (p.Ser453Ala). In summary, the available evidence is currently insufficient to determine the role of this variant in disease. Therefore, it has been classified as a Variant of Uncertain Significance. Advanced modeling of protein sequence and biophysical properties (such as structural, functional, and spatial information, amino acid conservation, physicochemical variation, residue mobility, and thermodynamic stability) has been performed at Invitae for this missense variant, however the output from this modeling did not meet the statistical confidence thresholds required to predict the impact of this variant on ATP1A3 protein function. ClinVar contains an entry for this variant (Variation ID: 962617). This variant has not been reported in the literature in individuals affected with ATP1A3-related conditions. This variant is not present in population databases (gnomAD no frequency).

NM_152296.5(ATP1A3):c.1357T>G (p.Ser453Ala)

Gene: ATP1A3 (ATPase Na+/K+ transporting subunit alpha 3; minus strand). Cytogenetic location: 19q13.2.
Variant type: single nucleotide variant.
Coding change: c.1357T>G on transcript NM_152296.5 (MANE Select); coding-DNA position 1357, T replaced by G.
Protein change: p.Ser453Ala; replaces serine 453 with alanine.
Molecular consequence: missense variant.
Genome position (GRCh38, 1-based): chr19:41,981,582, A>C on the plus strand (T>G on the coding strand, the complement: ATP1A3 is on the minus strand). VCF-style: chr19-41981582-A-C. GRCh37 (hg19) VCF-style: chr19-42485734-A-C.
Other names: c.1357T>G (NM_152296.3); c.1390T>G, p.Ser464Ala (NM_001256213.2); c.1396T>G, p.Ser466Ala (NM_001256214.2); short protein forms S464A, S466A, S453A.
Identifiers: ClinVar variation 962617 (VCV000962617.10), dbSNP rs1480822980, ClinGen allele CA406049697.